The following is an entry in ClinVar:

NM_001277115.2(DNAH11):c.4567C>T (p.Gln1523Ter)

Gene: DNAH11 (dynein axonemal heavy chain 11; plus strand). Cytogenetic location: 7p15.3.
Variant type: single nucleotide variant.
Coding change: c.4567C>T on transcript NM_001277115.2 (MANE Select); coding-DNA position 4567, C replaced by T.
Protein change: p.Gln1523Ter; replaces glutamine 1523 with a stop codon.
Molecular consequence: nonsense.
Genome position (GRCh38, 1-based): chr7:21,635,937, C>T. VCF-style: chr7-21635937-C-T. GRCh37 (hg19) VCF-style: chr7-21675555-C-T.
Other names: short protein forms Q1523*.
Identifiers: ClinVar variation 454676 (VCV000454676.10), dbSNP rs1286036654, ClinGen allele CA366933261.

ClinVar aggregate classification (germline): Pathogenic/Likely pathogenic. Review status: criteria provided, multiple submitters, no conflicts (2 of 4 stars). 2 submissions from 2 submitters: Pathogenic (1); Likely pathogenic (1). Last evaluated 2020-09-18.

Conditions:
DNAH11-related disorders.
Primary ciliary dyskinesia. Also called: Ciliary dyskinesia. Identifiers: Orphanet 244, MedGen C0008780, MONDO:0016575, HP:0012265.

Submissions (2):

Blueprint Genetics
Classification: Likely pathogenic for DNAH11-related disorders. Last evaluated: 2020-09-18. Review status: criteria provided, single submitter. Criteria: ACMG Guidelines, 2015. Collection method: clinical testing. Allele origin: germline. Affected: yes. Observed: 1 variant allele.

Labcorp Genetics (formerly Invitae), Labcorp
Classification: Pathogenic for Primary ciliary dyskinesia. Last evaluated: 2019-05-09. Review status: criteria provided, single submitter. Criteria: Invitae Variant Classification Sherloc (09022015). Collection method: clinical testing. Allele origin: germline.
Comment: For these reasons, this variant has been classified as Pathogenic. Loss-of-function variants in DNAH11 are known to be pathogenic (PMID: 18022865, 20513915, 22184204). Algorithms developed to predict the effect of sequence changes on RNA splicing suggest that this variant may create or strengthen a splice site, but this prediction has not been confirmed by published transcriptional studies. This variant has not been reported in the literature in individuals with DNAH11-related conditions. ClinVar contains an entry for this variant (Variation ID: 454676). This variant is not present in population databases (ExAC no frequency). This sequence change creates a premature translational stop signal (p.Gln1523*) in the DNAH11 gene. It is expected to result in an absent or disrupted protein product.

Literature cited by the submitters: PubMed 18022865 (cited by Labcorp Genetics (formerly Invitae), Labcorp); PubMed 20513915 (cited by Labcorp Genetics (formerly Invitae), Labcorp); PubMed 22184204 (cited by Labcorp Genetics (formerly Invitae), Labcorp).